The following is an entry in ClinVar:

ClinVar aggregate classification (germline): Pathogenic. Review status: no assertion criteria provided (0 of 4 stars). 2 submissions from 2 submitters: Pathogenic (2). Last evaluated 2024-04-22.

Conditions:
NUP107-related disorder. Also called: NUP107-related condition.
Nephrotic syndrome, type 11 (NPHS11). Identifiers: Orphanet 656, MedGen C4225228, MONDO:0014752, OMIM 616730.

Submissions (2):

PreventionGenetics, part of Exact Sciences
Classification: Pathogenic for NUP107-related condition. Last evaluated: 2024-04-22. Review status: no assertion criteria provided. Collection method: clinical testing. Allele origin: germline.
Comment: The NUP107 c.1079_1083del5 variant is predicted to result in a frameshift and premature protein termination (p.Glu360Glyfs*6). This variant has been reported as causative for autosomal recessive steroid resistant nephrotic syndrome (Miyake et al 2015. PubMed ID: 26411495; Nagano et al 2020. PubMed ID: 31937884; Table S2, Park et al 2020. PubMed ID: 32604935). This variant is reported in 0.0054% of alleles in individuals of East Asian descent in gnomAD. Nonsense variants in NUP107 are expected to be pathogenic. This variant is interpreted as pathogenic.

OMIM
Classification: Pathogenic for NEPHROTIC SYNDROME, TYPE 11. Last evaluated: 2015-10-01. Review status: no assertion criteria provided. Collection method: literature only. Allele origin: germline.

Literature cited by the submitters: PubMed 26411495 (cited by OMIM).

NM_020401.4(NUP107):c.1079_1083del (p.Glu360fs)

Gene: NUP107 (nucleoporin 107; plus strand). Cytogenetic location: 12q15.
Variant type: Deletion.
Coding change: c.1079_1083del on transcript NM_020401.4 (MANE Select); coding-DNA positions 1079 to 1083, 5 bases deleted (AAGAG; older notation c.1079_1083delAAGAG).
Protein change: p.Glu360fs; shifts the reading frame from glutamic acid 360.
Molecular consequence: frameshift variant.
Genome position (GRCh38, 1-based): chr12:68,715,736-68,715,740, AAGAG deleted; deleting any 5 consecutive bases within chr12:68,715,734-68,715,740 gives the same sequence; the c. name uses the placement nearest the transcript's 3' end. VCF-style (leftmost placement, unchanged base first): chr12-68715733-CAGAAG-C. GRCh37 (hg19) VCF-style: chr12-69109513-CAGAAG-C.
Other names: c.992_996del, p.Glu331fs (NM_001330192.2); c.1079_1083del5 (NM_020401.3); short protein forms E331fs, E360fs.
Identifiers: ClinVar variation 219128 (VCV000219128.2), dbSNP rs864321687, ClinGen allele CA347921.
Genomic context (GRCh38, chr12:68,715,733, plus strand): 5'-ATAGAGAAGATGAAGTTAGATTACTCAAATATCTCTTTACTCTAATCCGTGCTGGAATGA[CAGAAG>C]AGGTCAGTCATGTATACCCTTCTTGTCTAATTTCAAAAAGTCATAGACTCTTTGAGTTGG-3'